The following is an entry in ClinVar:

NM_004990.4(MARS1):c.2463G>C (p.Gln821His)

Gene: MARS1 (methionyl-tRNA synthetase 1; plus strand). Cytogenetic location: 12q13.3.
Variant type: single nucleotide variant.
Coding change: c.2463G>C on transcript NM_004990.4 (MANE Select); coding-DNA position 2463, G replaced by C.
Protein change: p.Gln821His; replaces glutamine 821 with histidine.
Molecular consequence: missense variant.
Genome position (GRCh38, 1-based): chr12:57,515,991, G>C. VCF-style: chr12-57515991-G-C. GRCh37 (hg19) VCF-style: chr12-57909774-G-C.
Other names: short protein forms Q821H.
Identifiers: ClinVar variation 4785650 (VCV004785650.1).

ClinVar aggregate classification (germline): Uncertain significance (1 of 4 stars; one submission).

Conditions:
Severe early-onset pulmonary alveolar proteinosis due to MARS deficiency. Also called: PULMONARY ALVEOLAR PROTEINOSIS, REUNION ISLAND; Interstitial lung and liver disease. Identifiers: Orphanet 440427, MedGen C4225400, MONDO:0014206, OMIM 615486.
Charcot-Marie-Tooth disease axonal type 2U. Also called: CHARCOT-MARIE-TOOTH NEUROPATHY, TYPE 2U; CHARCOT-MARIE-TOOTH DISEASE, AXONAL, AUTOSOMAL DOMINANT, TYPE 2U. Identifiers: Orphanet 397735, MedGen C4084821, MONDO:0014566, OMIM 616280.

Submission:

Labcorp Genetics (formerly Invitae), Labcorp
Classification: Uncertain significance for Charcot-Marie-Tooth disease axonal type 2U; Severe early-onset pulmonary alveolar proteinosis due to MARS deficiency. Last evaluated: 2025-08-10. Review status: criteria provided, single submitter. Criteria: Invitae Variant Classification Sherloc (09022015). Collection method: clinical testing. Allele origin: germline.
Comment: This sequence change replaces glutamine, which is neutral and polar, with histidine, which is basic and polar, at codon 821 of the MARS protein (p.Gln821His). This variant also falls at the last nucleotide of exon 19, which is part of the consensus splice site for this exon. This variant is present in population databases (rs771141694, gnomAD 0.006%). This variant has not been reported in the literature in individuals affected with MARS-related conditions. An algorithm developed to predict the effect of missense changes on protein structure and function (PolyPhen-2) suggests that this variant is likely to be disruptive. Variants that disrupt the consensus splice site are a relatively common cause of aberrant splicing (PMID: 17576681, 9536098). Algorithms developed to predict the effect of sequence changes on RNA splicing suggest that this variant may disrupt the consensus splice site. In summary, the available evidence is currently insufficient to determine the role of this variant in disease. Therefore, it has been classified as a Variant of Uncertain Significance.

Literature cited by the submitters: PubMed 17576681; PubMed 9536098.